The following is an entry in ClinVar:

ClinVar aggregate classification (germline): Conflicting classifications of pathogenicity. Review status: criteria provided, conflicting classifications (1 of 4 stars). 4 submissions from 4 submitters: Likely pathogenic (1); Uncertain significance (2). 1 of the submissions does not count toward it. Last evaluated 2024-03-25.

Conditions:
Intellectual developmental disorder, X-linked 101. Also called: Intellectual disability, X-linked 101. Identifiers: Orphanet 777, MedGen C3890168, MONDO:0010489, OMIM 300928.

Allele frequency attached by ClinVar (database versions not stated): gnomAD exomes 0.00001; ExAC 0.00001.
gnomAD v4.1: 5 of 1,211,438 alleles (0.00041%); highest among the groups gnomAD compares: Non-Finnish European, 0.00034%; no homozygotes.

Submissions (4):

Genomic Medicine Center of Excellence, King Faisal Specialist Hospital and Research Centre
Classification: Uncertain significance for Intellectual developmental disorder, X-linked 101. Last evaluated: 2024-03-25. Review status: criteria provided, single submitter. Criteria: ACMG Guidelines, 2015. Collection method: clinical testing. Allele origin: germline.

Blueprint Genetics
Classification: Uncertain significance. Last evaluated: 2021-09-24. Review status: criteria provided, single submitter. Criteria: ACMG Guidelines, 2015. Collection method: clinical testing. Allele origin: germline.

Baylor Genetics
Classification: Likely pathogenic for Intellectual developmental disorder, X-linked 101. Last evaluated: 2019-07-12. Review status: criteria provided, single submitter. Criteria: ACMG Guidelines, 2015. Collection method: clinical testing. Allele origin: unknown. Affected: yes.
Comment: This variant was determined to be likely pathogenic according to ACMG Guidelines, 2015 [PMID:25741868].

Biochemical Molecular Genetic Laboratory, King Abdulaziz Medical City
Classification: Likely pathogenic for Intellectual developmental disorder, X-linked 101. Last evaluated: 2019-09-26. Review status: no assertion criteria provided. Collection method: clinical testing. Allele origin: germline. Affected: yes. Not counted in ClinVar's aggregate classification.

NM_012216.4(MID2):c.1558G>A (p.Gly520Ser)

Genes: MID2 (midline 2; plus strand), LOC101928335 (uncharacterized LOC101928335; minus strand). Cytogenetic location: Xq22.3.
Variant type: single nucleotide variant.
Coding change: c.1558G>A on transcript NM_012216.4 (MANE Select); coding-DNA position 1558, G replaced by A.
Protein change: p.Gly520Ser; replaces glycine 520 with serine.
Molecular consequence: missense variant.
Genome position (GRCh38, 1-based): chrX:107,924,465, G>A. VCF-style: chrX-107924465-G-A. GRCh37 (hg19) VCF-style: chrX-107167695-G-A.
Other names: c.1468G>A, p.Gly490Ser (NM_052817.3); short protein forms G520S, G490S.
Identifiers: ClinVar variation 800883 (VCV000800883.4), dbSNP rs750972972, ClinGen allele CA10486173.